The following is an entry in ClinVar:

ClinVar aggregate classification (germline): Uncertain significance. Review status: criteria provided, multiple submitters, no conflicts (2 of 4 stars). 2 submissions from 2 submitters: Uncertain significance (2). Last evaluated 2024-06-02.

Conditions:
Inborn genetic diseases. Identifiers: MedGen C0950123, MeSH D030342.
Charcot-Marie-Tooth disease dominant intermediate B (CMTDIB). Also called: CHARCOT-MARIE-TOOTH NEUROPATHY, DOMINANT INTERMEDIATE B; Charcot-Marie-Tooth disease dominant intermediate 1; CMT DI1; Charcot-Marie-Tooth disease dominant intermediate I. Identifiers: Orphanet 100044, Orphanet 228179, MedGen C1847902, MONDO:0011674, OMIM 606482.

Allele frequency attached by ClinVar (database versions not stated): gnomAD 0.00001; TOPMed 0.00001.
gnomAD v4.1: 7 of 1,614,010 alleles (0.00043%); highest among the groups gnomAD compares: Non-Finnish European, 0.00051%; no homozygotes.

Submissions (2):

Labcorp Genetics (formerly Invitae), Labcorp
Classification: Uncertain significance for Charcot-Marie-Tooth disease dominant intermediate B. Last evaluated: 2024-06-02. Review status: criteria provided, single submitter. Criteria: Invitae Variant Classification Sherloc (09022015). Collection method: clinical testing. Allele origin: germline.
Comment: This sequence change replaces lysine, which is basic and polar, with asparagine, which is neutral and polar, at codon 415 of the DNM2 protein (p.Lys415Asn). This variant is present in population databases (no rsID available, gnomAD 0.007%). This variant has not been reported in the literature in individuals affected with DNM2-related conditions. ClinVar contains an entry for this variant (Variation ID: 2614716). Advanced modeling of protein sequence and biophysical properties (such as structural, functional, and spatial information, amino acid conservation, physicochemical variation, residue mobility, and thermodynamic stability) has been performed at Invitae for this missense variant, however the output from this modeling did not meet the statistical confidence thresholds required to predict the impact of this variant on DNM2 protein function. In summary, the available evidence is currently insufficient to determine the role of this variant in disease. Therefore, it has been classified as a Variant of Uncertain Significance.

Ambry Genetics
Classification: Uncertain significance for Inborn genetic diseases. Last evaluated: 2023-07-30. Review status: criteria provided, single submitter. Criteria: Ambry Variant Classification Scheme 2023. Collection method: clinical testing. Allele origin: germline.

NM_001005361.3(DNM2):c.1196+670G>C

Gene: DNM2 (dynamin 2; plus strand). Cytogenetic location: 19p13.2.
Variant type: single nucleotide variant.
Coding change: c.1196+670G>C on transcript NM_001005361.3 (MANE Select); 670 bases into the intron after coding-DNA position 1196, G replaced by C.
Molecular consequence: intron variant. On other transcripts: missense variant (3).
Genome position (GRCh38, 1-based): chr19:10,796,109, G>C. VCF-style: chr19-10796109-G-C. GRCh37 (hg19) VCF-style: chr19-10906785-G-C.
Other names: c.1245G>C, p.Lys415Asn (NM_001005360.3, NM_001190716.2, NM_004945.4); c.1196+670G>C (NM_001005362.3); short protein forms K415N.
Identifiers: ClinVar variation 2614716 (VCV002614716.4), dbSNP rs755921154, ClinGen allele CA404048765.